The following is an entry in ClinVar:

ClinVar aggregate classification (germline): Uncertain significance (1 of 4 stars; one submission).

Conditions:
Emery-Dreifuss muscular dystrophy 5, autosomal dominant (EDMD5). Also called: EMERY-DREIFUSS MUSCULAR DYSTROPHY 5. Identifiers: Orphanet 261, MedGen C2751805, MONDO:0013072, OMIM 612999.

Submission:

Labcorp Genetics (formerly Invitae), Labcorp
Classification: Uncertain significance for Emery-Dreifuss muscular dystrophy 5, autosomal dominant. Last evaluated: 2025-03-13. Review status: criteria provided, single submitter. Criteria: Invitae Variant Classification Sherloc (09022015). Collection method: clinical testing. Allele origin: germline.
Comment: This sequence change affects an acceptor splice site in intron 5 of the SYNE2 gene. It is expected to disrupt RNA splicing. Variants that disrupt the donor or acceptor splice site typically lead to a loss of protein function (PMID: 16199547), however the current clinical and genetic evidence is not sufficient to establish whether loss-of-function variants in SYNE2 cause disease. This variant is not present in population databases (gnomAD no frequency). This variant has not been reported in the literature in individuals affected with SYNE2-related conditions. Algorithms developed to predict the effect of sequence changes on RNA splicing suggest that this variant may disrupt the consensus splice site. In summary, the available evidence is currently insufficient to determine the role of this variant in disease. Therefore, it has been classified as a Variant of Uncertain Significance.

Literature cited by the submitters: PubMed 16199547.

NM_182914.3(SYNE2):c.316-1G>A

Gene: SYNE2 (spectrin repeat containing nuclear envelope protein 2; plus strand). Cytogenetic location: 14q23.2.
Variant type: single nucleotide variant.
Coding change: c.316-1G>A on transcript NM_182914.3 (MANE Select); the canonical splice acceptor site of the intron before coding-DNA position 316, G replaced by A.
Molecular consequence: splice acceptor variant.
Genome position (GRCh38, 1-based): chr14:63,942,050, G>A. VCF-style: chr14-63942050-G-A. GRCh37 (hg19) VCF-style: chr14-64408768-G-A.
Other names: c.316-1G>A (NM_015180.6).
Identifiers: ClinVar variation 4750678 (VCV004750678.1).
Genomic context (GRCh38, chr14:63,942,050, plus strand): 5'-ACAGGAGAGATTAATGCTCTGGGATATTTCCTCCTTTTAACCTGCACTTTTTGTTTTCCA[G>A]ATTAAGCTAATAAATATTCATGTTACTGATATCATTGATGGAAACCCATCCATTATCCTT-3'